The following is an entry in ClinVar:

ClinVar aggregate classification (germline): Uncertain significance. Review status: criteria provided, multiple submitters, no conflicts (2 of 4 stars). 2 submissions from 2 submitters: Uncertain significance (2). Last evaluated 2022-09-06.

Allele frequency attached by ClinVar (database versions not stated): gnomAD exomes 0.00001 and 0.00002; ExAC 0.00003; ESP Exome Variant Server 0.00008.

Submissions (2):

Blueprint Genetics
Classification: Uncertain significance. Last evaluated: 2022-09-06. Review status: criteria provided, single submitter. Criteria: ACMG Guidelines, 2015. Collection method: clinical testing. Allele origin: germline.

Labcorp Genetics (formerly Invitae), Labcorp
Classification: Uncertain significance. Last evaluated: 2022-03-09. Review status: criteria provided, single submitter. Criteria: Invitae Variant Classification Sherloc (09022015). Collection method: clinical testing. Allele origin: germline.
Comment: This sequence change replaces isoleucine, which is neutral and non-polar, with threonine, which is neutral and polar, at codon 319 of the RBP3 protein (p.Ile319Thr). This variant is present in population databases (rs369566953, gnomAD 0.004%). This variant has not been reported in the literature in individuals affected with RBP3-related conditions. Algorithms developed to predict the effect of missense changes on protein structure and function are either unavailable or do not agree on the potential impact of this missense change (SIFT: "Deleterious"; PolyPhen-2: "Possibly Damaging"; Align-GVGD: "Class C0"). In summary, the available evidence is currently insufficient to determine the role of this variant in disease. Therefore, it has been classified as a Variant of Uncertain Significance.

NM_002900.3(RBP3):c.956T>C (p.Ile319Thr)

Gene: RBP3 (retinol binding protein 3; plus strand). Cytogenetic location: 10q11.22.
Variant type: single nucleotide variant.
Coding change: c.956T>C on transcript NM_002900.3 (MANE Select); coding-DNA position 956, T replaced by C.
Protein change: p.Ile319Thr; replaces isoleucine 319 with threonine.
Molecular consequence: missense variant.
Genome position (GRCh38, 1-based): chr10:47,349,440, T>C. VCF-style: chr10-47349440-T-C. GRCh37 (hg19) VCF-style: chr10-48389922-A-G.
Other names: short protein forms I319T.
Identifiers: ClinVar variation 1446487 (VCV001446487.7), dbSNP rs369566953, ClinGen allele CA5487649.